The following is an entry in ClinVar:

NM_001457.4(FLNB):c.4514+41_4514+72del

Gene: FLNB (filamin B; plus strand). Cytogenetic location: 3p14.3.
Variant type: Deletion.
Coding change: c.4514+41_4514+72del on transcript NM_001457.4 (MANE Select); bases 41 to 72 of the intron after coding-DNA position 4514, 32 bases deleted.
Molecular consequence: intron variant.
Genome position (GRCh38, 1-based): chr3:58,132,972-58,133,003, 32 bases deleted; deleting any 32 consecutive bases within chr3:58,132,950-58,133,003 gives the same sequence; the c. name uses the placement nearest the transcript's 3' end. GRCh37 (hg19): chr3:58,118,699-58,118,730.
Other names: c.4607+41_4607+72del (NM_001164317.2); c.4514+41_4514+72del (NM_001164318.2, NM_001164319.2).
Identifiers: ClinVar variation 3682453 (VCV003682453.2).

ClinVar aggregate classification (germline): Uncertain significance (1 of 4 stars; one submission).

Submission:

Labcorp Genetics (formerly Invitae), Labcorp
Classification: Uncertain significance. Last evaluated: 2024-08-29. Review status: criteria provided, single submitter. Criteria: Invitae Variant Classification Sherloc (09022015). Collection method: clinical testing. Allele origin: germline.
Comment: This sequence change falls in intron 26 of the FLNB gene. It does not directly change the encoded amino acid sequence of the FLNB protein. The frequency data for this variant in the population databases is considered unreliable, as metrics indicate poor data quality at this position in the gnomAD database. This variant has not been reported in the literature in individuals affected with FLNB-related conditions. In summary, the available evidence is currently insufficient to determine the role of this variant in disease. Therefore, it has been classified as a Variant of Uncertain Significance.